The following is an entry in ClinVar:

ClinVar aggregate classification (germline): Uncertain significance (1 of 4 stars; one submission).

Conditions:
Luscan-Lumish syndrome. Identifiers: Orphanet 597738, MedGen C4085873, MONDO:0014791, OMIM 616831.

Submission:

Labcorp Genetics (formerly Invitae), Labcorp
Classification: Uncertain significance for Luscan-Lumish syndrome. Last evaluated: 2020-08-14. Review status: criteria provided, single submitter. Criteria: Invitae Variant Classification Sherloc (09022015). Collection method: clinical testing. Allele origin: germline.
Comment: In summary, the available evidence is currently insufficient to determine the role of this variant in disease. Therefore, it has been classified as a Variant of Uncertain Significance. Algorithms developed to predict the effect of missense changes on protein structure and function are either unavailable or do not agree on the potential impact of this missense change (SIFT: "Tolerated"; PolyPhen-2: "Probably Damaging"; Align-GVGD: "Class C0"). This variant has not been reported in the literature in individuals with SETD2-related conditions. This sequence change replaces proline with threonine at codon 2168 of the SETD2 protein (p.Pro2168Thr). The proline residue is highly conserved and there is a small physicochemical difference between proline and threonine. This variant is not present in population databases (ExAC no frequency).

NM_014159.7(SETD2):c.6502C>A (p.Pro2168Thr)

Gene: SETD2 (SET domain containing 2, histone lysine methyltransferase; minus strand). Cytogenetic location: 3p21.31.
Variant type: single nucleotide variant.
Coding change: c.6502C>A on transcript NM_014159.7 (MANE Select); coding-DNA position 6502, C replaced by A.
Protein change: p.Pro2168Thr; replaces proline 2168 with threonine.
Molecular consequence: missense variant. On other transcripts: non-coding transcript variant (1).
Genome position (GRCh38, 1-based): chr3:47,057,282, G>T on the plus strand (C>A on the coding strand, the complement: SETD2 is on the minus strand). VCF-style: chr3-47057282-G-T. GRCh37 (hg19) VCF-style: chr3-47098772-G-T.
Other names: c.6370C>A, p.Pro2124Thr (NM_001349370.3); short protein forms P2124T, P2168T.
Identifiers: ClinVar variation 1053140 (VCV001053140.5), dbSNP rs2107576731, ClinGen allele CA352520827.